The following is an entry in ClinVar:

ClinVar aggregate classification (germline): not provided (0 of 4 stars; one submission).

Conditions:
Hyperimmunoglobulin D with periodic fever (HIDS). Also called: HYPERIMMUNOGLOBULINEMIA D AND PERIODIC FEVER SYNDROME; Hyperimmunoglobulinemia D; Hyperimmunoglobulinemia D with periodic fever. Identifiers: Orphanet 343, MedGen C0398691, MONDO:0009849, OMIM 260920.

Allele frequency attached by ClinVar (database versions not stated): gnomAD exomes 0.00001; TOPMed 0.00002; gnomAD 0.00005 and 0.00006.
gnomAD v4.1: 21 of 1,163,990 alleles (0.0018%); highest among the groups gnomAD compares: East Asian, 0.014%; no homozygotes.

Submission:

Unité médicale des maladies autoinflammatoires, CHRU Montpellier
No classification provided. Condition: Hyperimmunoglobulin D with periodic fever. Review status: no classification provided. Collection method: not provided. Allele origin: unknown.
Comment: also involved in OMIM 25117

NM_000431.4(MVK):c.769-103C>T

Gene: MVK (mevalonate kinase; plus strand). Cytogenetic location: 12q24.11.
Variant type: single nucleotide variant.
Coding change: c.769-103C>T on transcript NM_000431.4 (MANE Select); 103 bases into the intron before coding-DNA position 769, C replaced by T.
Molecular consequence: intron variant.
Genome position (GRCh38, 1-based): chr12:109,591,138, C>T. VCF-style: chr12-109591138-C-T. GRCh37 (hg19) VCF-style: chr12-110028943-C-T.
Other names: c.613-103C>T (NM_001301182.2); c.769-103C>T (NM_001114185.3).
Identifiers: ClinVar variation 97619 (VCV000097619.1), dbSNP rs104895351, ClinGen allele CA149893.